The following is an entry in ClinVar:

ClinVar aggregate classification (germline): Uncertain significance (1 of 4 stars; one submission).

gnomAD v4.1: 4 of 1,608,676 alleles (0.00025%); highest among the groups gnomAD compares: Non-Finnish European, 0.00034%; no homozygotes.

Submission:

CeGaT Center for Human Genetics Tuebingen
Classification: Uncertain significance. Last evaluated: 2025-04-01. Review status: criteria provided, single submitter. Criteria: CeGaT Center For Human Genetics Tuebingen Variant Classification Criteria Version 2. Collection method: clinical testing. Allele origin: germline. Affected: yes. Observed: 1 variant allele.
Comment: CACNA1G: PM2

NM_018896.5(CACNA1G):c.6067C>T (p.Pro2023Ser)

Gene: CACNA1G (calcium voltage-gated channel subunit alpha1 G; plus strand). Cytogenetic location: 17q21.33.
Variant type: single nucleotide variant.
Coding change: c.6067C>T on transcript NM_018896.5 (MANE Select); coding-DNA position 6067, C replaced by T.
Protein change: p.Pro2023Ser; replaces proline 2023 with serine.
Molecular consequence: missense variant. On other transcripts: non-coding transcript variant (5).
Genome position (GRCh38, 1-based): chr17:50,623,913, C>T. VCF-style: chr17-50623913-C-T. GRCh37 (hg19) VCF-style: chr17-48701274-C-T.
Other names: c.5878C>T, p.Pro1960Ser (NM_001256324.2); c.5809C>T, p.Pro1937Ser (NM_001256325.2); c.5797C>T, p.Pro1933Ser (NM_001256326.2); c.5767C>T, p.Pro1923Ser (NM_001256327.2); c.5713C>T, p.Pro1905Ser (NM_001256328.2); c.5686C>T, p.Pro1896Ser (NM_001256329.2, NM_198387.3, NM_198376.3); c.5653C>T, p.Pro1885Ser (NM_001256330.2); c.5632C>T, p.Pro1878Ser (NM_001256331.2); and 15 more; short protein forms P1873S, P1878S, P1885S, P1889S, P1892S, P1894S, P1896S, P1903S.
Identifiers: ClinVar variation 3905372 (VCV003905372.10).